The following is an entry in ClinVar:

ClinVar aggregate classification (germline): Uncertain significance. Review status: criteria provided, multiple submitters, no conflicts (2 of 4 stars). 3 submissions from 3 submitters: Uncertain significance (3). Last evaluated 2025-01-21.

Conditions:
Cardiovascular phenotype. Identifiers: MedGen CN230736.

Allele frequency attached by ClinVar (database versions not stated): gnomAD exomes 0.00001 and 0.00003; TOPMed 0.00002; ExAC 0.00003; gnomAD 0.00004.
gnomAD v4.1: 27 of 1,612,612 alleles (0.0017%); highest among the groups gnomAD compares: Admixed American, 0.0033%; no homozygotes.

Submissions (3):

Ambry Genetics
Classification: Uncertain significance for Cardiovascular phenotype. Last evaluated: 2025-01-21. Review status: criteria provided, single submitter. Criteria: Ambry Variant Classification Scheme 2023. Collection method: clinical testing. Allele origin: germline.
Comment: The p.D1814N variant (also known as c.5440G>A), located in coding exon 14 of the TNXB gene, results from a G to A substitution at nucleotide position 5440. The aspartic acid at codon 1814 is replaced by asparagine, an amino acid with highly similar properties. This amino acid position is not well conserved in available vertebrate species. In addition, this alteration is predicted to be tolerated by in silico analysis. Since supporting evidence is limited at this time, the clinical significance of this alteration remains unclear.

GeneDx
Classification: Uncertain significance. Last evaluated: 2021-09-20. Review status: criteria provided, single submitter. Criteria: GeneDx Variant Classification Process June 2021. Collection method: clinical testing. Allele origin: germline. Affected: yes.
Comment: Has not been previously published as pathogenic or benign to our knowledge; In silico analysis supports that this missense variant has a deleterious effect on protein structure/function

Breakthrough Genomics
Classification: Uncertain significance. Review status: criteria provided, single submitter. Criteria: ACMG Guidelines, 2015. Collection method: not provided. Allele origin: germline. Inheritance: Autosomal recessive inheritance. Affected: yes.

NM_001365276.2(TNXB):c.5440G>A (p.Asp1814Asn)

Gene: TNXB (tenascin XB; minus strand). Cytogenetic location: 6p21.33.
Variant type: single nucleotide variant.
Coding change: c.5440G>A on transcript NM_001365276.2 (MANE Select); coding-DNA position 5440, G replaced by A.
Protein change: p.Asp1814Asn; replaces aspartic acid 1814 with asparagine.
Molecular consequence: missense variant.
Genome position (GRCh38, 1-based): chr6:32,069,700, C>T on the plus strand (G>A on the coding strand, the complement: TNXB is on the minus strand). VCF-style: chr6-32069700-C-T. GRCh37 (hg19) VCF-style: chr6-32037477-C-T.
Other names: c.5440G>A, p.Asp1814Asn (NM_019105.8); short protein forms D1814N.
Identifiers: ClinVar variation 1301282 (VCV001301282.7), dbSNP rs748731285, ClinGen allele CA3734714.